The following is an entry in ClinVar:

ClinVar aggregate classification (germline): Uncertain significance. Review status: criteria provided, multiple submitters, no conflicts (2 of 4 stars). 2 submissions from 2 submitters: Uncertain significance (2). Last evaluated 2026-04-16.

Allele frequency attached by ClinVar (database versions not stated): ExAC 0.00001; gnomAD 0.00001; gnomAD exomes 0.00001; TOPMed below 0.00001.
gnomAD v4.1: 9 of 1,613,482 alleles (0.00056%); highest among the groups gnomAD compares: East Asian, 0.0022%; no homozygotes.

Submissions (2):

Women's Health and Genetics/Laboratory Corporation of America, LabCorp
Classification: Uncertain significance. Last evaluated: 2026-04-16. Review status: criteria provided, single submitter. Criteria: LabCorp Variant Classification Summary - May 2015. Collection method: clinical testing. Allele origin: germline.
Comment: Variant summary: MITF c.*2G>A is located in the untranslated mRNA region downstream of the termination codon. The variant allele was found at a frequency of 8e-06 in 249384 control chromosomes. The available data on variant occurrences in the general population are insufficient to allow any conclusion about variant significance. To our knowledge, no occurrence of c.*2G>A in individuals affected with MITF-related conditions and no experimental evidence demonstrating its impact on protein function have been reported. ClinVar contains an entry for this variant (Variation ID: 2580664). Based on the evidence outlined above, the variant was classified as uncertain significance.

GeneDx
Classification: Uncertain significance. Last evaluated: 2023-03-21. Review status: criteria provided, single submitter. Criteria: GeneDx Variant Classification Process June 2021. Collection method: clinical testing. Allele origin: germline. Affected: yes.
Comment: Nucleotide substitution has no predicted effect on splicing and is not conserved across species; Has not been previously published as pathogenic or benign to our knowledge

NM_001354604.2(MITF):c.*2G>A

Gene: MITF (melanocyte inducing transcription factor; plus strand). Cytogenetic location: 3p13.
Variant type: single nucleotide variant.
Coding change: c.*2G>A on transcript NM_001354604.2 (MANE Select); 2 bases downstream of the stop codon, G replaced by A.
Molecular consequence: 3 prime UTR variant.
Genome position (GRCh38, 1-based): chr3:69,965,250, G>A. VCF-style: chr3-69965250-G-A. GRCh37 (hg19) VCF-style: chr3-70014401-G-A.
Other names: c.*2G>A (NM_000248.4, NM_001184967.2, NM_001354605.2 and 8 more transcripts).
Identifiers: ClinVar variation 2580664 (VCV002580664.2), dbSNP rs747391486, ClinGen allele CA2490705.